The following is an entry in ClinVar:

ClinVar aggregate classification (germline): Pathogenic (1 of 4 stars; one submission).

Conditions:
Developmental and epileptic encephalopathy 92. Also called: EPILEPTIC ENCEPHALOPATHY, INFANTILE OR EARLY CHILDHOOD, 2. Identifiers: MedGen C4693362, MONDO:0020631, OMIM 617829.

Submission:

Victorian Clinical Genetics Services, Murdoch Childrens Research Institute
Classification: Pathogenic for Developmental and epileptic encephalopathy 92. Last evaluated: 2026-02-11. Review status: criteria provided, single submitter. Criteria: ACMG Guidelines, 2015. Collection method: clinical testing. Allele origin: germline. Affected: yes.
Comment: This variant is classified as Pathogenic. Evidence in support of pathogenic classification: Variant is absent from gnomAD (v2, v3 and v4); This variant has moderate previous evidence of pathogenicity in unrelated individuals. This variant has been reported in the literature as de novo in an individual with generalised onset seizures, febrile seizures, and developmental delay/intellectual disability (PMID: 34489640); Missense variant in a region that is highly intolerant to missense variation (high constraint region in DECIPHER); Missense variant predicted to be damaging by in silico tool(s) or highly conserved with a major amino acid change; Additional information: Variant is predicted to result in a missense amino acid change from Met to Ile; This variant is heterozygous; This gene is associated with autosomal dominant disease; No published evidence of segregation with disease has been identified for this variant; No published functional evidence has been identified for this variant; Another missense variant(s) comparable to the one identified in this case has inconclusive previous evidence for pathogenicity. p.(Met162Arg) has been classified as VUS by a clinical laboratory in ClinVar; Dominant negative is a known mechanism of disease in this gene and is associated with developmental and epileptic encephalopathy 92 (MIM#617829); Variants in this gene are known to have variable expressivity. Developmental delay and motor delay have been seen to be variably expressed and have variable severities in individuals with GABRB2-related epileptic encephalopathy (PMIDs: 33325057, 32686847).

Literature cited by the submitters: PubMed 32686847; PubMed 34489640; PubMed 33325057.

NM_001371727.1(GABRB2):c.486G>A (p.Met162Ile)

Gene: GABRB2 (gamma-aminobutyric acid type A receptor subunit beta2; minus strand). Cytogenetic location: 5q34.
Variant type: single nucleotide variant.
Coding change: c.486G>A on transcript NM_001371727.1 (MANE Select); coding-DNA position 486, G replaced by A.
Protein change: p.Met162Ile; replaces methionine 162 with isoleucine.
Molecular consequence: missense variant.
Genome position (GRCh38, 1-based): chr5:161,411,030, C>T on the plus strand (G>A on the coding strand, the complement: GABRB2 is on the minus strand). VCF-style: chr5-161411030-C-T. GRCh37 (hg19) VCF-style: chr5-160838036-C-T.
Other names: c.486G>A, p.Met162Ile (NM_000813.3, NM_021911.3); short protein forms M162I.
Identifiers: ClinVar variation 4531980 (VCV004531980.2).
Genomic context (GRCh38, chr5:161,411,030, plus strand): 5'-CTTACAGCTCTCAATTTCCAAGGTGCAGTTTTGTTCATCCAGTGGGTACCTCCTTAGGTC[C>T]ATCATGCAGGCAGCTGTGGTTGTGATTCTAGAAGACAAATAGCAATGATGAGTGTTGTTA-3'
Protein context (NP_001358656.1, residues 152-172): LRITTTAACM[Met162Ile]DLRRYPLDEQ